The following is an entry in ClinVar:

NM_000535.7(PMS2):c.1456dup (p.Asp486fs)

Gene: PMS2 (PMS1 homolog 2, mismatch repair system component; minus strand). Cytogenetic location: 7p22.1.
Variant type: Duplication.
Coding change: c.1456dup on transcript NM_000535.7 (MANE Select); coding-DNA position 1456, one base duplicated (G; older notation c.1456dupG).
Protein change: p.Asp486fs; shifts the reading frame from aspartic acid 486.
Molecular consequence: frameshift variant. On other transcripts: non-coding transcript variant (1), intron variant (1).
Genome position (GRCh38, 1-based): chr7:5,987,309, C duplicated on the plus strand (G on the coding strand, the reverse complement: PMS2 is on the minus strand); the first of 2 consecutive C bases (chr7:5,987,309-5,987,310); duplicating either gives the same sequence. VCF-style (leftmost placement, unchanged base first): chr7-5987308-T-TC. GRCh37 (hg19) VCF-style: chr7-6026939-T-TC.
Other names: c.1120dup, p.Asp374fs (NM_001406885.1); c.1090dup, p.Asp364fs (NM_001406886.1); c.1051dup, p.Asp351fs (NM_001406887.1, NM_001406888.1, NM_001406889.1 and 16 more transcripts); c.1300dup, p.Asp434fs (NM_001322006.2, NM_001406870.1); c.1138dup, p.Asp380fs (NM_001322007.2, NM_001322008.2, NM_001406903.1 and 2 more transcripts); c.895dup, p.Asp299fs (NM_001322010.2, NM_001406906.1, NM_001406907.1); c.523dup, p.Asp175fs (NM_001322011.2, NM_001322012.2); c.883dup, p.Asp295fs (NM_001322013.2, NM_001406909.1); and 14 more; short protein forms D229fs, D299fs, D331fs, D378fs, D430fs, D486fs, D494fs, D548fs.
Identifiers: ClinVar variation 4842999 (VCV004842999.1).

ClinVar aggregate classification (germline): Pathogenic (1 of 4 stars; one submission).

Conditions:
Hereditary cancer-predisposing syndrome. Also called: Neoplastic Syndromes, Hereditary; Tumor predisposition; Hereditary Cancer Syndrome; Hereditary neoplastic syndrome. Identifiers: Orphanet 140162, MedGen C0027672, MeSH D009386, MONDO:0015356.

Submission:

Ambry Genetics
Classification: Pathogenic for Hereditary cancer-predisposing syndrome. Last evaluated: 2026-01-22. Review status: criteria provided, single submitter. Criteria: Ambry Variant Classification Scheme 2023. Collection method: clinical testing. Allele origin: germline.
Comment: The c.1456dupG pathogenic mutation, located in coding exon 11 of the PMS2 gene, results from a duplication of G at nucleotide position 1456, causing a translational frameshift with a predicted alternate stop codon (p.D486Gfs*19). This variant is considered to be rare based on population cohorts in the Genome Aggregation Database (gnomAD). This alteration is expected to result in loss of function by premature protein truncation or nonsense-mediated mRNA decay. As such, this alteration is interpreted as a disease-causing mutation.